The following is an entry in ClinVar:

NM_170601.5(SIAE):c.917G>A (p.Arg306His)

Gene: SIAE (sialic acid acetylesterase; minus strand). Cytogenetic location: 11q24.2.
Variant type: single nucleotide variant.
Coding change: c.917G>A on transcript NM_170601.5 (MANE Select); coding-DNA position 917, G replaced by A.
Protein change: p.Arg306His; replaces arginine 306 with histidine.
Molecular consequence: missense variant.
Genome position (GRCh38, 1-based): chr11:124,647,414, C>T on the plus strand (G>A on the coding strand, the complement: SIAE is on the minus strand). VCF-style: chr11-124647414-C-T. GRCh37 (hg19) VCF-style: chr11-124517310-C-T.
Other names: c.812G>A, p.Arg271His (NM_001199922.2); c.917G>A (NM_170601.4); short protein forms R271H, R306H.
Identifiers: ClinVar variation 2172108 (VCV002172108.5), dbSNP rs201750697, ClinGen allele CA6341372.

ClinVar aggregate classification (germline): Conflicting classifications of pathogenicity. Review status: criteria provided, conflicting classifications (1 of 4 stars). 2 submissions from 2 submitters: Uncertain significance (1); Likely benign (1). Last evaluated 2025-02-13.

Allele frequency attached by ClinVar (database versions not stated): ExAC 0.00002; gnomAD exomes 0.00003; gnomAD 0.00009; TOPMed 0.00012; 1000 Genomes Project 30x 0.00016; 1000 Genomes Project 0.00020.

Submissions (2):

Labcorp Genetics (formerly Invitae), Labcorp
Classification: Uncertain significance. Last evaluated: 2025-02-13. Review status: criteria provided, single submitter. Criteria: Invitae Variant Classification Sherloc (09022015). Collection method: clinical testing. Allele origin: germline.
Comment: This sequence change replaces arginine, which is basic and polar, with histidine, which is basic and polar, at codon 306 of the SIAE protein (p.Arg306His). This variant is present in population databases (rs201750697, gnomAD 0.02%). This variant has not been reported in the literature in individuals affected with SIAE-related conditions. ClinVar contains an entry for this variant (Variation ID: 2172108). An algorithm developed to predict the effect of missense changes on protein structure and function outputs the following: PolyPhen-2: "Benign". The histidine amino acid residue is found in multiple mammalian species, which suggests that this missense change does not adversely affect protein function. In summary, the available evidence is currently insufficient to determine the role of this variant in disease. Therefore, it has been classified as a Variant of Uncertain Significance.

Ambry Genetics
Classification: Likely benign. Last evaluated: 2022-11-07. Review status: criteria provided, single submitter. Criteria: Ambry Variant Classification Scheme 2023. Collection method: clinical testing. Allele origin: germline.